The following is an entry in ClinVar:

NM_002024.6(FMR1):c.309C>T (p.Tyr103=)

Gene: FMR1 (fragile X messenger ribonucleoprotein 1; plus strand). Cytogenetic location: Xq27.3.
Variant type: single nucleotide variant.
Coding change: c.309C>T on transcript NM_002024.6 (MANE Select); coding-DNA position 309, C replaced by T.
Protein change: p.Tyr103=; no amino-acid change (tyrosine 103 retained).
Molecular consequence: synonymous variant. On other transcripts: non-coding transcript variant (2).
Genome position (GRCh38, 1-based): chrX:147,928,697, C>T. VCF-style: chrX-147928697-C-T. GRCh37 (hg19) VCF-style: chrX-147010215-C-T.
Other names: p.Tyr103=; c.309C>T, p.Tyr103= (NM_001185075.2, NM_001185076.2, NM_001185081.2 and 1 more transcripts).
Identifiers: ClinVar variation 2571382 (VCV002571382.28), dbSNP rs148872586, ClinGen allele CA10536118.

ClinVar aggregate classification (germline): Benign/Likely benign. Review status: criteria provided, multiple submitters, no conflicts (2 of 4 stars). 2 submissions from 2 submitters: Benign (1); Likely benign (1). Last evaluated 2025-04-16.

Allele frequency attached by ClinVar (database versions not stated): TOPMed 0.00017; ExAC 0.00029; ESP Exome Variant Server 0.00038; gnomAD 0.00038.
gnomAD v4.1: 298 of 1,203,784 alleles (0.025%); highest among the groups gnomAD compares: Non-Finnish European, 0.031%; no homozygotes.

Submissions (2):

Mayo Clinic Laboratories, Mayo Clinic
Classification: Benign. Last evaluated: 2025-04-16. Review status: criteria provided, single submitter. Criteria: ACMG Guidelines, 2015. Collection method: clinical testing. Allele origin: germline. Observed: 1 variant allele.
Comment: BS1, BS2, BP4, BP7

CeGaT Center for Human Genetics Tuebingen
Classification: Likely benign. Last evaluated: 2024-05-01. Review status: criteria provided, single submitter. Criteria: CeGaT Center For Human Genetics Tuebingen Variant Classification Criteria Version 2. Collection method: clinical testing. Allele origin: germline. Affected: yes. Observed: 4 variant alleles.
Comment: FMR1: BP4, BP7, BS2